The following is an entry in ClinVar:

NM_004064.5(CDKN1B):c.336C>A (p.Ser112Arg)

Gene: CDKN1B (cyclin dependent kinase inhibitor 1B; plus strand). Cytogenetic location: 12p13.1.
Variant type: single nucleotide variant.
Coding change: c.336C>A on transcript NM_004064.5 (MANE Select); coding-DNA position 336, C replaced by A.
Protein change: p.Ser112Arg; replaces serine 112 with arginine.
Molecular consequence: missense variant.
Genome position (GRCh38, 1-based): chr12:12,718,175, C>A. VCF-style: chr12-12718175-C-A. GRCh37 (hg19) VCF-style: chr12-12871109-C-A.
Other names: short protein forms S112R.
Identifiers: ClinVar variation 1730696 (VCV001730696.6), dbSNP rs756740369, ClinGen allele CA383970278.

ClinVar aggregate classification (germline): Uncertain significance. Review status: criteria provided, multiple submitters, no conflicts (2 of 4 stars). 2 submissions from 2 submitters: Uncertain significance (2). Last evaluated 2024-01-25.

Conditions:
Multiple endocrine neoplasia type 4. Also called: MULTIPLE ENDOCRINE NEOPLASIA, TYPE IV. Identifiers: Orphanet 276152, MedGen C1970712, MONDO:0012552, OMIM 610755.
Hereditary cancer-predisposing syndrome. Also called: Neoplastic Syndromes, Hereditary; Tumor predisposition; Hereditary Cancer Syndrome; Hereditary neoplastic syndrome. Identifiers: Orphanet 140162, MedGen C0027672, MeSH D009386, MONDO:0015356.

Submissions (2):

Labcorp Genetics (formerly Invitae), Labcorp
Classification: Uncertain significance for Multiple endocrine neoplasia type 4. Last evaluated: 2024-01-25. Review status: criteria provided, single submitter. Criteria: Invitae Variant Classification Sherloc (09022015). Collection method: clinical testing. Allele origin: germline.
Comment: This sequence change replaces serine, which is neutral and polar, with arginine, which is basic and polar, at codon 112 of the CDKN1B protein (p.Ser112Arg). This variant is not present in population databases (gnomAD no frequency). This variant has not been reported in the literature in individuals affected with CDKN1B-related conditions. ClinVar contains an entry for this variant (Variation ID: 1730696). An algorithm developed to predict the effect of missense changes on protein structure and function (PolyPhen-2) suggests that this variant is likely to be tolerated. In summary, the available evidence is currently insufficient to determine the role of this variant in disease. Therefore, it has been classified as a Variant of Uncertain Significance.

Ambry Genetics
Classification: Uncertain significance for Hereditary cancer-predisposing syndrome. Last evaluated: 2022-10-31. Review status: criteria provided, single submitter. Criteria: Ambry Variant Classification Scheme 2023. Collection method: clinical testing. Allele origin: germline.
Comment: The p.S112R variant (also known as c.336C>A), located in coding exon 1 of the CDKN1B gene, results from a C to A substitution at nucleotide position 336. The serine at codon 112 is replaced by arginine, an amino acid with dissimilar properties. This amino acid position is conserved. In addition, this alteration is predicted to be tolerated by in silico analysis. Since supporting evidence is limited at this time, the clinical significance of this alteration remains unclear.